The following is an entry in ClinVar:

NM_002878.4(RAD51D):c.392del (p.Asn131fs)

Genes: RAD51L3-RFFL (RAD51L3-RFFL readthrough; minus strand), RAD51D (RAD51 paralog D; minus strand). Cytogenetic location: 17q12.
Variant type: Deletion.
Coding change: c.392del on transcript NM_002878.4 (MANE Select); coding-DNA position 392, one base deleted (A; older notation c.392delA).
Protein change: p.Asn131fs; shifts the reading frame from asparagine 131.
Molecular consequence: frameshift variant. On other transcripts: non-coding transcript variant (1), intron variant (1).
Genome position (GRCh38, 1-based): chr17:35,107,076, T deleted on the plus strand (A on the coding strand, the reverse complement: RAD51D is on the minus strand); the first of 4 consecutive T bases (chr17:35,107,076-35,107,079); deleting any one gives the same sequence. VCF-style (leftmost placement, unchanged base first): chr17-35107075-GT-G. GRCh37 (hg19) VCF-style: chr17-33434094-GT-G.
Other names: c.452del, p.Asn151fs (NM_001142571.2); c.145-595del (NM_133629.3); short protein forms N131fs, N151fs.
Identifiers: ClinVar variation 1441657 (VCV001441657.6), dbSNP rs2142433388, ClinGen allele CA2573153505.

ClinVar aggregate classification (germline): Pathogenic (1 of 4 stars; one submission).

Conditions:
Breast-ovarian cancer, familial, susceptibility to, 4. Identifiers: Orphanet 145, MedGen C3280345, MONDO:0013669, OMIM 614291.

Submission:

Labcorp Genetics (formerly Invitae), Labcorp
Classification: Pathogenic for Breast-ovarian cancer, familial, susceptibility to, 4. Last evaluated: 2021-06-07. Review status: criteria provided, single submitter. Criteria: Invitae Variant Classification Sherloc (09022015). Collection method: clinical testing. Allele origin: germline.
Comment: This sequence change creates a premature translational stop signal (p.Asn131Thrfs*5) in the RAD51D gene. It is expected to result in an absent or disrupted protein product. Loss-of-function variants in RAD51D are known to be pathogenic (PMID: 21822267). This variant is not present in population databases (ExAC no frequency). This variant has not been reported in the literature in individuals with RAD51D-related conditions. For these reasons, this variant has been classified as Pathogenic.

Literature cited by the submitters: PubMed 21822267.